The following is an entry in ClinVar:

NM_000103.4(CYP19A1):c.109T>C (p.Leu37=)

Genes: PIRC66 (piwi-interacting RNA cluster 66; plus strand), CYP19A1 (cytochrome P450 family 19 subfamily A member 1; minus strand), MIR4713HG (MIR4713 host gene; plus strand). Cytogenetic location: 15q21.2.
Variant type: single nucleotide variant.
Coding change: c.109T>C on transcript NM_000103.4 (MANE Select); coding-DNA position 109, T replaced by C.
Protein change: p.Leu37=; no amino-acid change (leucine 37 retained).
Molecular consequence: synonymous variant.
Genome position (GRCh38, 1-based): chr15:51,242,804, A>G on the plus strand (T>C on the coding strand, the complement: CYP19A1 is on the minus strand). VCF-style: chr15-51242804-A-G. GRCh37 (hg19) VCF-style: chr15-51535001-A-G.
Other names: c.109T>C, p.Leu37= (NM_001347248.1, NM_001347249.2, NM_001347250.2 and 7 more transcripts).
Identifiers: ClinVar variation 509948 (VCV000509948.20), dbSNP rs58282176, ClinGen allele CA7560165.

ClinVar aggregate classification (germline): Benign. Review status: criteria provided, multiple submitters, no conflicts (2 of 4 stars). 4 submissions from 4 submitters: Benign (3). 1 of the submissions does not count toward it. Last evaluated 2026-01-25.

Conditions:
Aromatase deficiency. Also called: Increased aromatase activity; PSEUDOHERMAPHRODITISM, FEMALE, DUE TO PLACENTAL AROMATASE DEFICIENCY. Identifiers: Orphanet 91, MedGen C1960539, MONDO:0013301, OMIM 613546.
CYP19A1-related disorder. Also called: CYP19A1-related condition.

Allele frequency attached by ClinVar (database versions not stated): gnomAD exomes 0.00049 and 0.00145; ExAC 0.00169; 1000 Genomes Project 0.00519; gnomAD 0.00583 and 0.00628; 1000 Genomes Project 30x 0.00593; TOPMed 0.00653; ESP Exome Variant Server 0.00663.

Submissions (4):

Labcorp Genetics (formerly Invitae), Labcorp
Classification: Benign. Last evaluated: 2026-01-25. Review status: criteria provided, single submitter. Criteria: Invitae Variant Classification Sherloc (09022015). Collection method: clinical testing. Allele origin: germline.

GeneDx
Classification: Benign. Last evaluated: 2020-04-15. Review status: criteria provided, single submitter. Criteria: GeneDx Variant Classification Process June 2021. Collection method: clinical testing. Allele origin: germline. Affected: yes.

Illumina Laboratory Services, Illumina
Classification: Benign for Aromatase deficiency. Last evaluated: 2017-04-27. Review status: criteria provided, single submitter. Criteria: ICSL Variant Classification Criteria 13 December 2019. Collection method: clinical testing. Allele origin: germline.
Comment: This variant was observed as part of a predisposition screen in an ostensibly healthy population. A literature search was performed for the gene, cDNA change, and amino acid change (where applicable). Publications were found based on this search. The evidence from the literature, in combination with allele frequency data from public databases where available, was sufficient to rule this variant out of causing disease. Therefore, this variant is classified as benign.

PreventionGenetics, part of Exact Sciences
Classification: Likely benign for CYP19A1-related condition. Last evaluated: 2019-10-14. Review status: no assertion criteria provided. Collection method: clinical testing. Allele origin: germline. Not counted in ClinVar's aggregate classification.
Comment: This variant is classified as likely benign based on ACMG/AMP sequence variant interpretation guidelines (Richards et al. 2015 PMID: 25741868, with internal and published modifications).

Literature cited by the submitters: PubMed 25415177 (cited by Illumina Laboratory Services, Illumina).